The following is an entry in ClinVar:

NM_000238.4(KCNH2):c.307+1del

Gene: KCNH2 (potassium voltage-gated channel subfamily H member 2; minus strand). Cytogenetic location: 7q36.1.
Variant type: Deletion.
Coding change: c.307+1del on transcript NM_000238.4 (MANE Select); the canonical splice donor site of the intron after coding-DNA position 307, one base deleted (G; older notation c.307+1delG).
Molecular consequence: splice donor variant.
Genome position (GRCh38, 1-based): chr7:150,974,710, C deleted on the plus strand (G on the coding strand, the reverse complement: KCNH2 is on the minus strand); the first of 2 consecutive C bases (chr7:150,974,710-150,974,711); deleting either gives the same sequence. VCF-style (leftmost placement, unchanged base first): chr7-150974709-AC-A. GRCh37 (hg19) VCF-style: chr7-150671797-AC-A.
Other names: c.307+1del (NM_172056.3); c.130+1del (NM_001406755.1).
Identifiers: ClinVar variation 1382290 (VCV001382290.8), dbSNP rs2117062104, ClinGen allele CA2573141811.

ClinVar aggregate classification (germline): Pathogenic (1 of 4 stars; one submission).

Conditions:
Long QT syndrome (LQTS). Identifiers: MedGen C0023976, MeSH D008133, MONDO:0002442. Disease mechanism: loss of function. Inheritance: Various modes of inheritance.

Submission:

Labcorp Genetics (formerly Invitae), Labcorp
Classification: Pathogenic for Long QT syndrome. Last evaluated: 2025-11-01. Review status: criteria provided, single submitter. Criteria: Invitae Variant Classification Sherloc (09022015). Collection method: clinical testing. Allele origin: germline.
Comment: This sequence change creates a premature translational stop signal (p.Ser104Alafs*12) in the KCNH2 gene. It is expected to result in an absent or disrupted protein product. Loss-of-function variants in KCNH2 are known to be pathogenic (PMID: 10973849, 19862833). This variant is not present in population databases (gnomAD no frequency). This variant has not been reported in the literature in individuals affected with KCNH2-related conditions. ClinVar contains an entry for this variant (Variation ID: 1382290). Algorithms developed to predict the effect of sequence changes on RNA splicing suggest that this variant may disrupt the consensus splice site. For these reasons, this variant has been classified as Pathogenic.

Literature cited by the submitters: PubMed 10973849; PubMed 19862833.